The following is an entry in ClinVar:

NM_152296.5(ATP1A3):c.2116G>C (p.Gly706Arg)

Gene: ATP1A3 (ATPase Na+/K+ transporting subunit alpha 3; minus strand). Cytogenetic location: 19q13.2.
Variant type: single nucleotide variant.
Coding change: c.2116G>C on transcript NM_152296.5 (MANE Select); coding-DNA position 2116, G replaced by C.
Protein change: p.Gly706Arg; replaces glycine 706 with arginine.
Molecular consequence: missense variant.
Genome position (GRCh38, 1-based): chr19:41,975,776, C>G on the plus strand (G>C on the coding strand, the complement: ATP1A3 is on the minus strand). VCF-style: chr19-41975776-C-G. GRCh37 (hg19) VCF-style: chr19-42479928-C-G.
Other names: c.2149G>C, p.Gly717Arg (NM_001256213.2); c.2155G>C, p.Gly719Arg (NM_001256214.2); c.2116G>C (NM_152296.3); short protein forms G717R, G706R, G719R.
Identifiers: ClinVar variation 1918208 (VCV001918208.7), dbSNP rs782175860, ClinGen allele CA406042217.
Genomic context (GRCh38, chr19:41,975,776, plus strand): 5'-TGCCCATGGCCACCCCAATGTCGGCCTTCTTCAGAGCGGGGGAGTCGTTCACACCATCCC[C>G]GGTCACAGCCACAATTGCACCCTGGAGGGAGAGAGGGTAAGGATGACACCCAGAGGCCAG-3'
Protein context (NP_689509.1, residues 696-716): QRQGAIVAVT[Gly706Arg]DGVNDSPALK

ClinVar aggregate classification (germline): Pathogenic. Review status: criteria provided, multiple submitters, no conflicts (2 of 4 stars). 3 submissions from 3 submitters: Pathogenic (3). Last evaluated 2025-07-16.

Conditions:
Dystonia 12 (DYT12). Also called: DYT-ATP1A3; Rapid-Onset Dystonia-Parkinsonism (RDP). Identifiers: Orphanet 71517, MedGen C1868681, MONDO:0007496, OMIM 128235.
Seizure. Also called: Seizures. Identifiers: MedGen C0036572, HP:0001250.
Inborn genetic diseases. Identifiers: MedGen C0950123, MeSH D030342.

Submissions (3):

Ambry Genetics
Classification: Pathogenic for Inborn genetic diseases. Last evaluated: 2025-07-16. Review status: criteria provided, single submitter. Criteria: Ambry Variant Classification Scheme 2023. Collection method: clinical testing. Allele origin: germline.
Comment: The c.2116G>C (p.G706R) alteration is located in exon 16 (coding exon 16) of the ATP1A3 gene. This alteration results from a G to C substitution at nucleotide position 2116, causing the glycine (G) at amino acid position 706 to be replaced by an arginine (R). This variant was not reported in population-based cohorts in the Genome Aggregation Database (gnomAD). This variant was determined to be de novo in at least one individual with features consistent with ATP1A3-related neurologic disorders (Holze, 2018). Another variant resulting in the same amino acid change, c.2116G>A, has been identified in individuals with features consistent with ATP1A3-related neurologic disorders (Yang, 2014; Hully, 2017; Huang, 2023). This amino acid position is highly conserved in available vertebrate species. This alteration is predicted to be deleterious by in silico analysis. Based on the available evidence, this alteration is classified as pathogenic.

Cytogénomique, Hospices Civils de Lyon
Classification: Pathogenic for Seizure. Last evaluated: 2023-12-29. Review status: criteria provided, single submitter. Criteria: ACMG Guidelines, 2015. Collection method: clinical testing. Allele origin: de novo. Affected: yes.

Labcorp Genetics (formerly Invitae), Labcorp
Classification: Pathogenic for Dystonia 12. Last evaluated: 2022-07-23. Review status: criteria provided, single submitter. Criteria: Invitae Variant Classification Sherloc (09022015). Collection method: clinical testing. Allele origin: germline.
Comment: For these reasons, this variant has been classified as Pathogenic. Advanced modeling of protein sequence and biophysical properties (such as structural, functional, and spatial information, amino acid conservation, physicochemical variation, residue mobility, and thermodynamic stability) performed at Invitae indicates that this missense variant is expected to disrupt ATP1A3 protein function. This missense change has been observed in individual(s) with clinical features of ATP1A3-related conditions (PMID: 24842602, 27726050, 29801192). In at least one individual the variant was observed to be de novo. This variant is not present in population databases (gnomAD no frequency). This sequence change replaces glycine, which is neutral and non-polar, with arginine, which is basic and polar, at codon 706 of the ATP1A3 protein (p.Gly706Arg).

Literature cited by the submitters: PubMed 22534615 (cited by Ambry Genetics); PubMed 22842232 (cited by Ambry Genetics); PubMed 24842602 (cited by Ambry Genetics and Labcorp Genetics (formerly Invitae), Labcorp); PubMed 25996915 (cited by Ambry Genetics); PubMed 26297560 (cited by Ambry Genetics); PubMed 26410222 (cited by Ambry Genetics); PubMed 27726050 (cited by Ambry Genetics and Labcorp Genetics (formerly Invitae), Labcorp); PubMed 29801192 (cited by Ambry Genetics and Labcorp Genetics (formerly Invitae), Labcorp); PubMed 36484864 (cited by Ambry Genetics).